The following is an entry in ClinVar:

NM_001365536.1(SCN9A):c.3950C>T (p.Ala1317Val)

Genes: SCN1A-AS1 (SCN1A and SCN9A antisense RNA 1; plus strand), SCN9A (sodium voltage-gated channel alpha subunit 9; minus strand). Cytogenetic location: 2q24.3.
Variant type: single nucleotide variant.
Coding change: c.3950C>T on transcript NM_001365536.1 (MANE Select); coding-DNA position 3950, C replaced by T.
Protein change: p.Ala1317Val; replaces alanine 1317 with valine.
Molecular consequence: missense variant.
Genome position (GRCh38, 1-based): chr2:166,228,947, G>A on the plus strand (C>T on the coding strand, the complement: SCN9A is on the minus strand). VCF-style: chr2-166228947-G-A. GRCh37 (hg19) VCF-style: chr2-167085457-G-A.
Other names: c.3917C>T, p.Ala1306Val (NM_002977.4); short protein forms A1306V, A1317V.
Identifiers: ClinVar variation 4792435 (VCV004792435.1).

ClinVar aggregate classification (germline): Uncertain significance (1 of 4 stars; one submission).

Conditions:
Neuropathy, hereditary sensory and autonomic, type 2A (HSAN2A). Also called: ACROOSTEOLYSIS, GIACCAI TYPE; ACROOSTEOLYSIS, NEUROGENIC; MORVAN DISEASE; NEUROPATHY, CONGENITAL SENSORY; NEUROPATHY, HEREDITARY SENSORY RADICULAR, AUTOSOMAL RECESSIVE; NEUROPATHY, HEREDITARY SENSORY, TYPE IIA. Identifiers: Orphanet 970, MedGen C2752089, MONDO:0024309, OMIM 201300.
Generalized epilepsy with febrile seizures plus, type 7 (GEFSP7). Also called: GEFS+, TYPE 7. Identifiers: Orphanet 36387, MedGen C2751778, MONDO:0013470, OMIM 613863.

Submission:

Labcorp Genetics (formerly Invitae), Labcorp
Classification: Uncertain significance for Neuropathy, hereditary sensory and autonomic, type 2A; Generalized epilepsy with febrile seizures plus, type 7. Last evaluated: 2025-06-26. Review status: criteria provided, single submitter. Criteria: Invitae Variant Classification Sherloc (09022015). Collection method: clinical testing. Allele origin: germline.
Comment: This sequence change replaces alanine, which is neutral and non-polar, with valine, which is neutral and non-polar, at codon 1306 of the SCN9A protein (p.Ala1306Val). This variant is not present in population databases (gnomAD no frequency). This variant has not been reported in the literature in individuals affected with SCN9A-related conditions. Invitae Evidence Modeling of protein sequence and biophysical properties (such as structural, functional, and spatial information, amino acid conservation, physicochemical variation, residue mobility, and thermodynamic stability) has been performed for this missense variant. However, the output from this modeling did not meet the statistical confidence thresholds required to predict the impact of this variant on SCN9A protein function. In summary, the available evidence is currently insufficient to determine the role of this variant in disease. Therefore, it has been classified as a Variant of Uncertain Significance.